The following is an entry in ClinVar:

ClinVar aggregate classification (germline): Pathogenic (1 of 4 stars; one submission).

Conditions:
Deficiency of 2-methylbutyryl-CoA dehydrogenase (ACADSB). Also called: 2-methylbutyrylglycinuria; 2-methylbutyryl-CoA dehydrogenase deficiency; SBCAD deficiency; 2-methylbutyric aciduria; Short branched-chain acyl-CoA dehydrogenase deficiency. Identifiers: Orphanet 79157, MedGen C1864912, MONDO:0012392, OMIM 610006, HP:0020147.

Submission:

Labcorp Genetics (formerly Invitae), Labcorp
Classification: Pathogenic for Deficiency of 2-methylbutyryl-CoA dehydrogenase. Last evaluated: 2023-01-15. Review status: criteria provided, single submitter. Criteria: Invitae Variant Classification Sherloc (09022015). Collection method: clinical testing. Allele origin: germline.
Comment: For these reasons, this variant has been classified as Pathogenic. This variant has not been reported in the literature in individuals affected with ACADSB-related conditions. This variant is not present in population databases (gnomAD no frequency). This sequence change creates a premature translational stop signal (p.Leu119Tyrfs*6) in the ACADSB gene. It is expected to result in an absent or disrupted protein product. Loss-of-function variants in ACADSB are known to be pathogenic (PMID: 20547083, 26284228).

Literature cited by the submitters: PubMed 20547083; PubMed 26284228.

NM_001609.4(ACADSB):c.356del (p.Leu119fs)

Gene: ACADSB (acyl-CoA dehydrogenase short/branched chain; plus strand). Cytogenetic location: 10q26.13.
Variant type: Deletion.
Coding change: c.356del on transcript NM_001609.4 (MANE Select); coding-DNA position 356, one base deleted (T; older notation c.356delT).
Protein change: p.Leu119fs; shifts the reading frame from leucine 119.
Molecular consequence: frameshift variant.
Genome position (GRCh38, 1-based): chr10:123,040,518, T deleted; the last of 5 consecutive T bases (chr10:123,040,514-123,040,518); deleting any one gives the same sequence. VCF-style (leftmost placement, unchanged base first): chr10-123040513-AT-A. GRCh37 (hg19) VCF-style: chr10-124800029-AT-A.
Other names: c.50del, p.Leu17fs (NM_001330174.3); short protein forms L119fs, L17fs.
Identifiers: ClinVar variation 2828858 (VCV002828858.3), dbSNP rs2493648846, ClinGen allele CA2739276049.